The following is an entry in ClinVar:

ClinVar aggregate classification (germline): Uncertain significance. Review status: criteria provided, multiple submitters, no conflicts (2 of 4 stars). 2 submissions from 2 submitters: Uncertain significance (2). Last evaluated 2024-07-31.

Conditions:
Hereditary cancer-predisposing syndrome. Also called: Hereditary neoplastic syndrome; Hereditary Cancer Syndrome; Neoplastic Syndromes, Hereditary; Tumor predisposition. Identifiers: Orphanet 140162, MedGen C0027672, MeSH D009386, MONDO:0015356.

Submissions (2):

Ambry Genetics
Classification: Uncertain significance for Hereditary cancer-predisposing syndrome. Last evaluated: 2024-07-31. Review status: criteria provided, single submitter. Criteria: Ambry Variant Classification Scheme 2023. Collection method: clinical testing. Allele origin: germline.
Comment: The p.A2472S variant (also known as c.7414G>T), located in coding exon 15 of the APC gene, results from a G to T substitution at nucleotide position 7414. The alanine at codon 2472 is replaced by serine, an amino acid with similar properties. This amino acid position is conserved. In addition, in silico predictors for this gene do not accurately predict pathogenicity. Based on the available evidence, the clinical significance of this variant remains unclear.

Color Diagnostics, LLC DBA Color Health
Classification: Uncertain significance for Hereditary cancer-predisposing syndrome. Last evaluated: 2024-03-06. Review status: criteria provided, single submitter. Criteria: ACMG Guidelines, 2015. Collection method: clinical testing. Allele origin: germline.
Comment: This missense variant replaces alanine with serine at codon 2472 of the APC protein. Computational prediction suggests that this variant may not impact protein structure and function (internally defined REVEL score threshold <= 0.5, PMID: 27666373). To our knowledge, functional studies have not been reported for this variant. This variant has not been reported in individuals affected with hereditary cancer in the literature. This variant has not been identified in the general population by the Genome Aggregation Database (gnomAD). The available evidence is insufficient to determine the role of this variant in disease conclusively. Therefore, this variant is classified as a Variant of Uncertain Significance.

NM_000038.6(APC):c.7414G>T (p.Ala2472Ser)

Gene: APC (APC regulator of Wnt signaling pathway; plus strand). Cytogenetic location: 5q22.2.
Variant type: single nucleotide variant.
Coding change: c.7414G>T on transcript NM_000038.6 (MANE Select); coding-DNA position 7414, G replaced by T.
Protein change: p.Ala2472Ser; replaces alanine 2472 with serine.
Molecular consequence: missense variant. On other transcripts: non-coding transcript variant (2).
Genome position (GRCh38, 1-based): chr5:112,843,008, G>T. VCF-style: chr5-112843008-G-T. GRCh37 (hg19) VCF-style: chr5-112178705-G-T.
Other names: c.7414G>T, p.Ala2472Ser (NM_001127510.3, NM_001354895.2, NM_001407450.1); c.7360G>T, p.Ala2454Ser (NM_001127511.3); c.7468G>T, p.Ala2490Ser (NM_001354896.2, NM_001407447.1, NM_001407448.1 and 1 more transcripts); c.7444G>T, p.Ala2482Ser (NM_001354897.2); c.7339G>T, p.Ala2447Ser (NM_001354898.2); c.7330G>T, p.Ala2444Ser (NM_001354899.2); c.7291G>T, p.Ala2431Ser (NM_001354900.2); c.7237G>T, p.Ala2413Ser (NM_001354901.2, NM_001407453.1); and 12 more; short protein forms A2371S, A2381S, A2389S, A2444S, A2462S, A2482S, A2447S, A2465S.
Identifiers: ClinVar variation 2773630 (VCV002773630.3), dbSNP rs1580682363, ClinGen allele CA16037469.